The following is an entry in ClinVar:

ClinVar aggregate classification (germline): Uncertain significance. Review status: criteria provided, multiple submitters, no conflicts (2 of 4 stars). 2 submissions from 2 submitters: Uncertain significance (2). Last evaluated 2024-06-04.

Conditions:
Inborn genetic diseases. Identifiers: MedGen C0950123, MeSH D030342.

Allele frequency attached by ClinVar (database versions not stated): gnomAD exomes below 0.00001; gnomAD 0.00001; ExAC 0.00002; TOPMed 0.00004; ESP Exome Variant Server 0.00015.

Submissions (2):

Ambry Genetics
Classification: Uncertain significance for Inborn genetic diseases. Last evaluated: 2024-06-04. Review status: criteria provided, single submitter. Criteria: Ambry Variant Classification Scheme 2023. Collection method: clinical testing. Allele origin: germline.

Labcorp Genetics (formerly Invitae), Labcorp
Classification: Uncertain significance. Last evaluated: 2022-02-04. Review status: criteria provided, single submitter. Criteria: Invitae Variant Classification Sherloc (09022015). Collection method: clinical testing. Allele origin: germline.
Comment: In summary, the available evidence is currently insufficient to determine the role of this variant in disease. Therefore, it has been classified as a Variant of Uncertain Significance. Algorithms developed to predict the effect of missense changes on protein structure and function are either unavailable or do not agree on the potential impact of this missense change (SIFT: "Tolerated"; PolyPhen-2: "Possibly Damaging"; Align-GVGD: "Class C0"). This variant has not been reported in the literature in individuals affected with MAFB-related conditions. This variant is present in population databases (rs375150121, gnomAD 0.007%). This sequence change replaces alanine, which is neutral and non-polar, with valine, which is neutral and non-polar, at codon 130 of the MAFB protein (p.Ala130Val).

NM_005461.5(MAFB):c.389C>T (p.Ala130Val)

Gene: MAFB (MAF bZIP transcription factor B; minus strand). Cytogenetic location: 20q12.
Variant type: single nucleotide variant.
Coding change: c.389C>T on transcript NM_005461.5 (MANE Select); coding-DNA position 389, C replaced by T.
Protein change: p.Ala130Val; replaces alanine 130 with valine.
Molecular consequence: missense variant.
Genome position (GRCh38, 1-based): chr20:40,688,462, G>A on the plus strand (C>T on the coding strand, the complement: MAFB is on the minus strand). VCF-style: chr20-40688462-G-A. GRCh37 (hg19) VCF-style: chr20-39317102-G-A.
Other names: short protein forms A130V.
Identifiers: ClinVar variation 1934194 (VCV001934194.6), dbSNP rs375150121, ClinGen allele CA9857802.
Genomic context (GRCh38, chr20:40,688,462, plus strand): 5'-ACGCCGGCGCCCGGGTACGCGTGGTGCGGGTGAGGGTGGTGGTGATGGTGGTGGTGGTGA[G>A]CGCCGCGAAAGCTGTCGAAGCTTTGCAGCGGCTGTGGCACTGGGTGCGAGCCGATGAGCG-3'
Protein context (NP_005452.2, residues 120-140): PLQSFDSFRG[Ala130Val]HHHHHHHHPH